The following is an entry in ClinVar:

ClinVar aggregate classification (germline): Uncertain significance (1 of 4 stars; one submission).

Conditions:
Neuronal ceroid lipofuscinosis. Also called: Neuronal Ceroid Lipofuscinoses. Identifiers: Orphanet 216, Orphanet 79263, MedGen C0027877, MONDO:0016295. Disease mechanism: loss of function.

Allele frequency attached by ClinVar (database versions not stated): gnomAD exomes below 0.00001.
gnomAD v4.1: 1 of 1,614,136 alleles (0.000062%); highest among the groups gnomAD compares: South Asian, 0.0011%; no homozygotes.

Submission:

Labcorp Genetics (formerly Invitae), Labcorp
Classification: Uncertain significance for Neuronal ceroid lipofuscinosis. Last evaluated: 2022-10-05. Review status: criteria provided, single submitter. Criteria: Invitae Variant Classification Sherloc (09022015). Collection method: clinical testing. Allele origin: germline.
Comment: In summary, the available evidence is currently insufficient to determine the role of this variant in disease. Therefore, it has been classified as a Variant of Uncertain Significance. Advanced modeling of protein sequence and biophysical properties (such as structural, functional, and spatial information, amino acid conservation, physicochemical variation, residue mobility, and thermodynamic stability) performed at Invitae indicates that this missense variant is not expected to disrupt CTSD protein function. ClinVar contains an entry for this variant (Variation ID: 1465453). This variant has not been reported in the literature in individuals affected with CTSD-related conditions. This variant is not present in population databases (gnomAD no frequency). This sequence change replaces isoleucine, which is neutral and non-polar, with valine, which is neutral and non-polar, at codon 206 of the CTSD protein (p.Ile206Val).

NM_001909.5(CTSD):c.616A>G (p.Ile206Val)

Gene: CTSD (cathepsin D; minus strand). Cytogenetic location: 11p15.5.
Variant type: single nucleotide variant.
Coding change: c.616A>G on transcript NM_001909.5 (MANE Select); coding-DNA position 616, A replaced by G.
Protein change: p.Ile206Val; replaces isoleucine 206 with valine.
Molecular consequence: missense variant.
Genome position (GRCh38, 1-based): chr11:1,757,412, T>C on the plus strand (A>G on the coding strand, the complement: CTSD is on the minus strand). VCF-style: chr11-1757412-T-C. GRCh37 (hg19) VCF-style: chr11-1778642-T-C.
Other names: short protein forms I206V.
Identifiers: ClinVar variation 1465453 (VCV001465453.6), dbSNP rs2133661989, ClinGen allele CA379096009.